The following is an entry in ClinVar:

NM_000548.5(TSC2):c.3611-2A>T

Gene: TSC2 (TSC complex subunit 2; plus strand). Cytogenetic location: 16p13.3.
Variant type: single nucleotide variant.
Coding change: c.3611-2A>T on transcript NM_000548.5 (MANE Select); the canonical splice acceptor site of the intron before coding-DNA position 3611, A replaced by T.
Molecular consequence: splice acceptor variant.
Genome position (GRCh38, 1-based): chr16:2,081,593, A>T. VCF-style: chr16-2081593-A-T. GRCh37 (hg19) VCF-style: chr16-2131594-A-T.
Other names: c.2138-2A>T (NM_001406693.1, NM_001406690.1, NM_001406692.1 and 1 more transcripts); c.3572-2A>T (NM_001406667.1); c.3569-2A>T (NM_001406668.1); c.3011-2A>T (NM_001406680.1, NM_001406683.1, NM_001406682.1); c.2879-2A>T (NM_001406687.1, NM_001318831.2, NM_001406688.1); c.2267-2A>T (NM_001406689.1); c.2135-2A>T (NM_001406691.1, NM_001406697.1, NM_001406695.1 and 1 more transcripts); c.1877-2A>T (NM_001406698.1); and 18 more.
Identifiers: ClinVar variation 65232 (VCV000065232.24), dbSNP rs397515169, ClinGen allele CA019377.

ClinVar aggregate classification (germline): Likely pathogenic. Review status: criteria provided, single submitter (1 of 4 stars). 2 submissions from 2 submitters: Likely pathogenic (1). 1 of the submissions does not count toward it. Last evaluated 2024-02-01.

Conditions:
Tuberous sclerosis syndrome (TSC). Also called: Tuberous Sclerosis Complex; Tuberous sclerosis. Identifiers: Orphanet 805, MedGen C0041341, MONDO:0001734.

Submissions (2):

CeGaT Center for Human Genetics Tuebingen
Classification: Likely pathogenic. Last evaluated: 2024-02-01. Review status: criteria provided, single submitter. Criteria: CeGaT Center For Human Genetics Tuebingen Variant Classification Criteria Version 2. Collection method: clinical testing. Allele origin: germline. Affected: yes. Observed: 1 variant allele.
Comment: TSC2: PM2, PM6, PVS1:Moderate

Tuberous sclerosis database (TSC2)
No classification provided. Condition: TSC. Review status: no classification provided. Criteria: Tuberous Sclerosis Database Assertion Criteria 2015. Collection method: curation. Allele origin: germline. Affected: yes. Not counted in ClinVar's aggregate classification.